The following is an entry in ClinVar:

ClinVar aggregate classification (germline): Uncertain significance. Review status: criteria provided, multiple submitters, no conflicts (2 of 4 stars). 4 submissions from 4 submitters: Uncertain significance (3). 1 of the submissions does not count toward it. Last evaluated 2024-12-09.

Conditions:
Inborn genetic diseases. Identifiers: MedGen C0950123, MeSH D030342.
Multiple acyl-CoA dehydrogenase deficiency (MADD). Also called: Glutaric Acidemia type 2; Glutaric acidemia type II; GA 2; ETHYLMALONIC-ADIPICACIDURIA; GA II; Glutaric aciduria, type 2. Identifiers: Orphanet 26791, MedGen C0268596, MONDO:0009282, OMIM 231680.

Allele frequency attached by ClinVar (database versions not stated): gnomAD 0.00002; TOPMed 0.00002; gnomAD exomes 0.00011; ExAC 0.00013.
gnomAD v4.1: 35 of 1,602,808 alleles (0.0022%); highest among the groups gnomAD compares: Admixed American, 0.058%; no homozygotes.

Submissions (4):

Ambry Genetics
Classification: Uncertain significance for Inborn genetic diseases. Last evaluated: 2024-12-09. Review status: criteria provided, single submitter. Criteria: Ambry Variant Classification Scheme 2023. Collection method: clinical testing. Allele origin: germline.

Labcorp Genetics (formerly Invitae), Labcorp
Classification: Uncertain significance for Multiple acyl-CoA dehydrogenase deficiency. Last evaluated: 2024-10-29. Review status: criteria provided, single submitter. Criteria: Invitae Variant Classification Sherloc (09022015). Collection method: clinical testing. Allele origin: germline.
Comment: This sequence change replaces lysine, which is basic and polar, with asparagine, which is neutral and polar, at codon 212 of the ETFDH protein (p.Lys212Asn). This variant is present in population databases (rs758859840, gnomAD 0.08%). This variant has not been reported in the literature in individuals affected with ETFDH-related conditions. ClinVar contains an entry for this variant (Variation ID: 963543). Invitae Evidence Modeling of protein sequence and biophysical properties (such as structural, functional, and spatial information, amino acid conservation, physicochemical variation, residue mobility, and thermodynamic stability) indicates that this missense variant is not expected to disrupt ETFDH protein function with a negative predictive value of 80%. In summary, the available evidence is currently insufficient to determine the role of this variant in disease. Therefore, it has been classified as a Variant of Uncertain Significance.

GeneDx
Classification: Uncertain significance. Last evaluated: 2024-07-31. Review status: criteria provided, single submitter. Criteria: GeneDx Variant Classification Process June 2021. Collection method: clinical testing. Allele origin: germline. Affected: yes.
Comment: Has not been previously published as pathogenic or benign to our knowledge; In silico analysis supports that this missense variant has a deleterious effect on protein structure/function

Natera, Inc.
Classification: Uncertain significance for Glutaric aciduria type 2. Last evaluated: 2020-10-15. Review status: no assertion criteria provided. Collection method: clinical testing. Allele origin: germline. Not counted in ClinVar's aggregate classification.

NM_004453.4(ETFDH):c.636A>T (p.Lys212Asn)

Gene: ETFDH (electron transfer flavoprotein dehydrogenase; plus strand). Cytogenetic location: 4q32.1.
Variant type: single nucleotide variant.
Coding change: c.636A>T on transcript NM_004453.4 (MANE Select); coding-DNA position 636, A replaced by T.
Protein change: p.Lys212Asn; replaces lysine 212 with asparagine.
Molecular consequence: missense variant.
Genome position (GRCh38, 1-based): chr4:158,690,377, A>T. VCF-style: chr4-158690377-A-T. GRCh37 (hg19) VCF-style: chr4-159611529-A-T.
Other names: c.636A>T (NM_004453.2); c.495A>T, p.Lys165Asn (NM_001281737.2); c.453A>T, p.Lys151Asn (NM_001281738.1); short protein forms K151N, K165N, K212N.
Identifiers: ClinVar variation 963543 (VCV000963543.8), dbSNP rs758859840, ClinGen allele CA3122419.